The following is an entry in ClinVar:

NM_032578.4(MYPN):c.659G>A (p.Arg220Lys)

Gene: MYPN (myopalladin; plus strand). Cytogenetic location: 10q21.3.
Variant type: single nucleotide variant.
Coding change: c.659G>A on transcript NM_032578.4 (MANE Select); coding-DNA position 659, G replaced by A.
Protein change: p.Arg220Lys; replaces arginine 220 with lysine.
Molecular consequence: missense variant. On other transcripts: 5 prime UTR variant (1), non-coding transcript variant (1).
Genome position (GRCh38, 1-based): chr10:68,122,097, G>A. VCF-style: chr10-68122097-G-A. GRCh37 (hg19) VCF-style: chr10-69881854-G-A.
Other names: c.659G>A, p.Arg220Lys (NM_001256267.2); c.-464G>A (NM_001256268.2); short protein forms R220K.
Identifiers: ClinVar variation 4860708 (VCV004860708.1).

ClinVar aggregate classification (germline): Uncertain significance (1 of 4 stars; one submission).

Conditions:
Cardiovascular phenotype. Identifiers: MedGen CN230736.

Submission:

Ambry Genetics
Classification: Uncertain significance for Cardiovascular phenotype. Last evaluated: 2026-06-09. Review status: criteria provided, single submitter. Criteria: Ambry Variant Classification Scheme 2023. Collection method: clinical testing. Allele origin: germline.
Comment: The p.R220K variant (also known as c.659G>A), located in coding exon 1 of the MYPN gene, results from a G to A substitution at nucleotide position 659. The arginine at codon 220 is replaced by lysine, an amino acid with highly similar properties. This amino acid position is conserved. In addition, this alteration is predicted to be tolerated by in silico analysis. Based on the available evidence, the clinical significance of this variant remains unclear.